The following is an entry in ClinVar:

ClinVar aggregate classification (germline): Uncertain significance (1 of 4 stars; one submission).

Submission:

GeneDx
Classification: Uncertain significance. Last evaluated: 2026-03-25. Review status: criteria provided, single submitter. Criteria: GeneDx Variant Classification Process June 2021. Collection method: clinical testing. Allele origin: germline.
Comment: Not observed at significant frequency in large population cohorts (gnomAD); In silico analysis supports that this missense variant has a deleterious effect on protein structure/function; Has not been previously published as pathogenic or benign to our knowledge.

NM_001382567.1(STIM1):c.709T>G (p.Ser237Ala)

Gene: STIM1 (stromal interaction molecule 1; plus strand). Cytogenetic location: 11p15.4.
Variant type: single nucleotide variant.
Coding change: c.709T>G on transcript NM_001382567.1 (MANE Select); coding-DNA position 709, T replaced by G.
Protein change: p.Ser237Ala; replaces serine 237 with alanine.
Molecular consequence: missense variant. On other transcripts: non-coding transcript variant (2).
Genome position (GRCh38, 1-based): chr11:4,070,121, T>G. VCF-style: chr11-4070121-T-G. GRCh37 (hg19) VCF-style: chr11-4091351-T-G.
Other names: c.487T>G, p.Ser163Ala (NM_001382579.1, NM_001382577.1, NM_001382578.1 and 5 more transcripts); c.220T>G, p.Ser74Ala (NM_001382580.1, NM_001382581.1); c.709T>G, p.Ser237Ala (NM_003156.4, NM_001277961.3, NM_001277962.2 and 2 more transcripts); c.574T>G, p.Ser192Ala (NM_001382569.1); c.481T>G, p.Ser161Ala (NM_001382570.1); c.229T>G, p.Ser77Ala (NM_001382571.1); short protein forms S161A, S163A, S192A, S237A, S74A, S77A.
Identifiers: ClinVar variation 5017543 (VCV005017543.1).
Genomic context (GRCh38, chr11:4,070,121, plus strand): 5'-GTGGTGTCTATCGTTATTGGTGTGGGCGGCTGCTGGTTTGCCTATATCCAGAACCGTTAC[T>G]CCAAGGAGCACATGAAGAAGATGATGAAGGACTTGGAGGGGTTACACCGAGCTGAGCAGA-3'
Protein context (NP_001369496.1, residues 227-247): CWFAYIQNRY[Ser237Ala]KEHMKKMMKD